The following is an entry in ClinVar:

NM_001395205.1(TDRD1):c.2148A>G (p.Val716=)

Gene: TDRD1 (tudor domain containing 1; plus strand). Cytogenetic location: 10q25.3.
Variant type: single nucleotide variant.
Coding change: c.2148A>G on transcript NM_001395205.1 (MANE Select); coding-DNA position 2148, A replaced by G.
Protein change: p.Val716=; no amino-acid change (valine 716 retained).
Molecular consequence: synonymous variant.
Genome position (GRCh38, 1-based): chr10:114,214,050, A>G. VCF-style: chr10-114214050-A-G. GRCh37 (hg19) VCF-style: chr10-115973809-A-G.
Other names: c.2148A>G, p.Val716= (NM_001385364.2, NM_001385365.1, NM_001385367.1 and 6 more transcripts); c.1977A>G, p.Val659= (NM_001385366.1, NM_001385370.1); c.2004A>G, p.Val668= (NM_001385371.1).
Identifiers: ClinVar variation 2640860 (VCV002640860.24), dbSNP rs141875070, ClinGen allele CA5699711.

ClinVar aggregate classification (germline): Likely benign (1 of 4 stars; one submission).

Allele frequency attached by ClinVar (database versions not stated): ESP Exome Variant Server 0.00031; gnomAD 0.00066; gnomAD exomes 0.00067; ExAC 0.00073; TOPMed 0.00084; 1000 Genomes Project 30x 0.00109; 1000 Genomes Project 0.00120.
gnomAD v4.1: 1,108 of 1,611,678 alleles (0.069%); highest among the groups gnomAD compares: Middle Eastern, 0.31%; 1 homozygote.

Submission:

CeGaT Center for Human Genetics Tuebingen
Classification: Likely benign. Last evaluated: 2023-03-01. Review status: criteria provided, single submitter. Criteria: CeGaT Center For Human Genetics Tuebingen Variant Classification Criteria Version 2. Collection method: clinical testing. Allele origin: germline. Affected: yes. Observed: 1 variant allele.
Comment: TDRD1: BP4, BP7